The following is an entry in ClinVar:

ClinVar aggregate classification (germline): Uncertain significance (1 of 4 stars; one submission).

Conditions:
Inborn genetic diseases. Identifiers: MedGen C0950123, MeSH D030342.

Submission:

Ambry Genetics
Classification: Uncertain significance for Inborn genetic diseases. Last evaluated: 2021-11-25. Review status: criteria provided, single submitter. Criteria: Ambry Variant Classification Scheme 2023. Collection method: clinical testing. Allele origin: germline.
Comment: The c.2277+5G>A intronic alteration consists of a G to A substitution 5 nucleotides after exon 15 (coding exon 10) of the MYT1L gene. Based on insufficient or conflicting evidence, the clinical significance of this alteration remains unclear.

NM_001303052.2(MYT1L):c.2283+5G>A

Gene: MYT1L (myelin transcription factor 1 like; minus strand). Cytogenetic location: 2p25.3.
Variant type: single nucleotide variant.
Coding change: c.2283+5G>A on transcript NM_001303052.2 (MANE Select); 5 bases into the intron after coding-DNA position 2283, G replaced by A.
Molecular consequence: intron variant.
Genome position (GRCh38, 1-based): chr2:1,892,032, C>T on the plus strand (G>A on the coding strand, the complement: MYT1L is on the minus strand). VCF-style: chr2-1892032-C-T. GRCh37 (hg19) VCF-style: chr2-1895804-C-T.
Other names: c.2277+5G>A (NM_015025.4, NM_001329847.2, NM_001329848.1 and 3 more transcripts); c.2283+5G>A (NM_001329844.2, NM_001329845.1, NM_001329851.3).
Identifiers: ClinVar variation 2227957 (VCV002227957.2), dbSNP rs1445480210, ClinGen allele CA530846920.
Genomic context (GRCh38, chr2:1,892,032, plus strand): 5'-TGGCTGGGTCCGCGGCCCGGCCTCCCCCACCCGCCAGGTGGCTCCACCTGCCCAGGCGCG[C>T]GTACCCGCGTGGCGCACAGGTCCTGCGGCTTGGTGCTCAGGTTCTGCGGCATCTCGCGGC-3'